The following is an entry in ClinVar:

ClinVar aggregate classification (germline): Likely pathogenic. Review status: criteria provided, multiple submitters, no conflicts (2 of 4 stars). 4 submissions from 4 submitters: Likely pathogenic (3). 1 of the submissions does not count toward it. Last evaluated 2025-11-10.

Conditions:
Hemoglobin H disease (HBH). Also called: Hemoglobin H (HbH) Disease; ALPHA-THALASSEMIA, HEMOGLOBIN H TYPE; HEMOGLOBIN H DISEASE, DELETIONAL. Identifiers: Orphanet 93616, MedGen C3161174, MONDO:0013512, OMIM 613978. Disease mechanism: loss of function.
alpha Thalassemia. Also called: Alpha thalassemia spectrum. Identifiers: Orphanet 846, MedGen C0002312, MONDO:0011399, OMIM 604131.
Erythrocytosis, familial, 7. Also called: POLYCYTHEMIA, ALPHA-GLOBIN TYPE; ERYTHROCYTOSIS 7; ERYTHROCYTOSIS, ALPHA-GLOBIN TYPE. Identifiers: MedGen C4693823, MONDO:0054802, OMIM 617981.
Methemoglobinemia, alpha type. Identifiers: MedGen C4693798, MONDO:0020835, OMIM 617973.
Heinz body anemia. Also called: Heinz body hemolytic anemia. Identifiers: Orphanet 178330, MedGen C0700299, MONDO:0007705, OMIM 140700, HP:0005511.
HEMOGLOBIN TUNIS-BIZERTE.

Allele frequency attached by ClinVar (database versions not stated): gnomAD 0.00001; TOPMed 0.00002.

Submissions (4):

Natera, Inc.
Classification: Likely pathogenic for Alpha thalassemia. Last evaluated: 2025-11-10. Review status: criteria provided, single submitter. Criteria: Natera Variant Classification Schema (03/2026). Collection method: clinical testing. Allele origin: germline.
Comment: The c.389T>C variant in HBA1 is a missense variant predicted to cause substitution of leucine to proline at amino acid 130. This variant is rare in the general population with a frequency below the threshold expected for the associated phenotype(s). This variant has been observed in one or more individuals affected with the associated recessive disease, as either homozygous or compound heterozygous with a second variant (PMID: 38535125, 7786798). Computational prediction algorithms indicate this variant is likely to affect gene or protein function. Given the available evidence, this variant is classified as Likely Pathogenic.

Fulgent Genetics
Classification: Likely pathogenic for Heinz body anemia; alpha Thalassemia; Hemoglobin H disease; Methemoglobinemia, alpha type; Erythrocytosis, familial, 7. Last evaluated: 2024-06-21. Review status: criteria provided, single submitter. Criteria: ACMG Guidelines, 2015. Collection method: clinical testing. Allele origin: germline.

ARUP Laboratories, Molecular Genetics and Genomics, ARUP Laboratories
Classification: Likely pathogenic. Last evaluated: 2018-06-29. Review status: criteria provided, single submitter. Criteria: ARUP Molecular Germline Variant Investigation Process. Collection method: clinical testing. Allele origin: germline.
Comment: The Hb Tunis-Bizerte variant (HBA1: c.389T>C; Leu129Pro) (rs35993655), has been described in the heterozygous state in individuals with no clinical presentation, but in the homozygous state in an individual with marked anemia and microcytosis (Darbellay 1995, HbVar database). Based on mass spectrometric analysis of the globins from both a heterozygote and homozygote, these authors concluded that the HBA1 chain harboring Leu129Pro represented <1% of the alpha globin chains and, thus, the variant is associated with a thalassemic phenotype. This variant is listed in ClinVar (Variation ID: 15865), and is absent from general population databases (1000 Genomes Project, Exome Variant Server, and Genome Aggregation Database), indicating it is not a common polymorphism. Additionally, the corresponding amino acid change in HBA2 (Leu129Pro, Hb Utrecht) is predicted to be very unstable, with heterozygous carriers reported with a mild alpha-thalassemic phenotype (Harteveld 1996, HbVar database). The lysine at codon 129 is highly conserved, and computational analyses (SIFT, PolyPhen-2) predict that this variant is deleterious. Based on available evidence, the Hb Tunis-Bizerte variant is predicted to be likely pathogenic for alpha-thalassemia, although to the best of our knowledge its effect in combination with deletional alpha thalassemia variants is not known. References: Link to HbVar database for Hb Tunis-Bizerte: Link to HbVar database for Hb Utrecht: Darbellay R et al. Haemoglobin Tunis-Bizerte: a new alpha 1 globin 129 Leu>Pro unstable variant with thalassaemic phenotype. Br J Haematol. 1995 May;90(1):71-6. Harteveld CL et al. Hb Utrecht (alpha 2 129(H12)Leu-->Pro), a new unstable alpha 2-chain variant associated with a mild alpha-thalassaemic phenotype. Br J Haematol. 1996 Sep;94(3):483-5.

OMIM
Classification: other for HEMOGLOBIN TUNIS-BIZERTE. Last evaluated: 2016-07-20. Review status: no assertion criteria provided. Collection method: literature only. Allele origin: germline. Not counted in ClinVar's aggregate classification.

Literature cited by the submitters: PubMed 38535125 (cited by Natera, Inc.); PubMed 7786798 (cited by Natera, Inc. and OMIM).

NM_000558.3(HBA1):c.389T>C (p.Leu130Pro)

Genes: HBA1 (hemoglobin subunit alpha 1; plus strand), LOC106804613 (hemoglobin subunit alpha 1 recombination region; plus strand). Cytogenetic location: 16p13.3.
Variant type: single nucleotide variant.
Coding change: c.389T>C on transcript NM_000558.3; coding-DNA position 389, T replaced by C.
Protein change: p.Leu130Pro; replaces leucine 130 with proline.
Molecular consequence: missense variant (on NM_000558.5).
Genome position (GRCh38, 1-based): chr16:177,371, T>C. VCF-style: chr16-177371-T-C. GRCh37 (hg19) VCF-style: chr16-227370-T-C.
Other names: L129P; Hb Utrecht; c.389T>C, p.Leu130Pro (NM_000558.5); short protein forms L130P.
Identifiers: ClinVar variation 15865 (VCV000015865.11), dbSNP rs35993655, ClinGen allele CA125979.